The following is an entry in ClinVar:

ClinVar aggregate classification (germline): Uncertain significance (1 of 4 stars; one submission).

Submission:

Mayo Clinic Laboratories, Mayo Clinic
Classification: Uncertain significance. Last evaluated: 2025-10-30. Review status: criteria provided, single submitter. Criteria: ACMG Guidelines, 2015. Collection method: clinical testing. Allele origin: germline. Observed: 1 variant allele.
Comment: PP3, PM2_supporting

NM_001377137.1(GBF1):c.1839C>G (p.Ser613Arg)

Gene: GBF1 (golgi brefeldin A resistant guanine nucleotide exchange factor 1; plus strand). Cytogenetic location: 10q24.32.
Variant type: single nucleotide variant.
Coding change: c.1839C>G on transcript NM_001377137.1 (MANE Select); coding-DNA position 1839, C replaced by G.
Protein change: p.Ser613Arg; replaces serine 613 with arginine.
Molecular consequence: missense variant. On other transcripts: non-coding transcript variant (5).
Genome position (GRCh38, 1-based): chr10:102,362,627, C>G. VCF-style: chr10-102362627-C-G. GRCh37 (hg19) VCF-style: chr10-104122384-C-G.
Other names: p.Ser612Arg; c.1542C>G, p.Ser514Arg (NM_001377139.1, NM_001377140.1); c.1836C>G, p.Ser612Arg (NM_001377141.1, NM_001391924.1, NM_001391925.1 and 7 more transcripts); c.1935C>G, p.Ser645Arg (NM_001391922.1, NM_001411027.1); c.1839C>G, p.Ser613Arg (NM_001391923.1, NM_001391926.1, NM_001199378.2); c.1458C>G, p.Ser486Arg (NM_001391931.1); c.1911C>G, p.Ser637Arg (NM_001411003.1); short protein forms S486R, S514R, S637R, S612R, S613R, S645R.
Identifiers: ClinVar variation 4541583 (VCV004541583.1).